The following is an entry in ClinVar:

ClinVar aggregate classification (germline): Pathogenic (1 of 4 stars; one submission).

Conditions:
Danon disease. Also called: PSEUDOGLYCOGENOSIS II; GSD IIb; LYSOSOMAL GLYCOGEN STORAGE DISEASE WITHOUT ACID MALTASE DEFICIENCY; Glycogen Storage Disease Type IIb; ANTOPOL DISEASE. Identifiers: Orphanet 34587, MedGen C0878677, MONDO:0010281, OMIM 300257.

Submission:

Kids Neuroscience Centre, Sydney Children's Hospitals Network
Classification: Pathogenic for Danon disease. Review status: criteria provided, single submitter. Criteria: Bournazos AM et al. (Genet Med 2021). Collection method: clinical testing. Allele origin: unknown. Inheritance: X-linked inheritance. Affected: yes. Observed: 1 hemizygote.
Comment: The c.928+3A>T variant induces exon-7 skipping (p.Lys289Phefs*36) causing a frameshift and encoding premature termination codon. These mis-spliced transcripts are predicted to be targeted for nonsensemediated decay. Any LAMP2 transcripts escaping nonsense-mediated decay encode LAMP2 proteins lacking the C-terminal transmembrane domain and are likely to be dysfunctional/non-functional.

NM_002294.3(LAMP2):c.928+3A>T

Gene: LAMP2 (lysosome associated membrane protein 2; minus strand). Cytogenetic location: Xq24.
Variant type: single nucleotide variant.
Coding change: c.928+3A>T on transcript NM_002294.3 (MANE Select); 3 bases into the intron after coding-DNA position 928, A replaced by T.
Molecular consequence: intron variant.
Genome position (GRCh38, 1-based): chrX:120,442,596, T>A on the plus strand (A>T on the coding strand, the complement: LAMP2 is on the minus strand). VCF-style: chrX-120442596-T-A. GRCh37 (hg19) VCF-style: chrX-119576451-T-A.
Other names: c.928+3A>T (NM_001122606.1, NM_013995.2).
Identifiers: ClinVar variation 1064624 (VCV001064624.3), dbSNP rs2147279469, ClinGen allele CA2499226350.